The following is an entry in ClinVar:

NM_024577.4(SH3TC2):c.*11357G>A

Gene: SH3TC2 (SH3 domain and tetratricopeptide repeats 2; minus strand). Cytogenetic location: 5q32.
Variant type: single nucleotide variant.
Coding change: c.*11357G>A on transcript NM_024577.4 (MANE Select); 11357 bases downstream of the stop codon, G replaced by A.
Molecular consequence: 3 prime UTR variant.
Genome position (GRCh38, 1-based): chr5:148,993,354, C>T on the plus strand (G>A on the coding strand, the complement: SH3TC2 is on the minus strand). VCF-style: chr5-148993354-C-T. GRCh37 (hg19) VCF-style: chr5-148372917-C-T.
Identifiers: ClinVar variation 904044 (VCV000904044.4), dbSNP rs147502432, ClinGen allele CA128988532.

ClinVar aggregate classification (germline): Conflicting classifications of pathogenicity. Review status: criteria provided, conflicting classifications (1 of 4 stars). 2 submissions from 1 submitter: Uncertain significance (1); Likely benign (1). Last evaluated 2018-01-13.

Conditions:
Charcot-Marie-Tooth disease type 4C (CMT4C). Also called: CMT 4C; Charcot-Marie-Tooth Neuropathy Type 4C (CMT4C); CHARCOT-MARIE-TOOTH DISEASE, DEMYELINATING, TYPE 4C; CHARCOT-MARIE-TOOTH DISEASE, DEMYELINATING, AUTOSOMAL RECESSIVE, TYPE 4C; SH3TC2-Related Hereditary Motor and Sensory Neuropathy. Identifiers: Orphanet 99949, MedGen C1866636, MONDO:0011113, OMIM 601596.
Susceptibility to mononeuropathy of the median nerve, mild. Also called: CARPAL TUNNEL SYNDROME, SUSCEPTIBILITY TO. Identifiers: MedGen C3150596, MONDO:0013237, OMIM 613353.

Allele frequency attached by ClinVar (database versions not stated): gnomAD 0.00006 and 0.00013; TOPMed 0.00016; 1000 Genomes Project 0.00140; 1000 Genomes Project 30x 0.00156.
gnomAD v4.1: 19 of 152,236 alleles (0.012%); highest among the groups gnomAD compares: East Asian, 0.33%; no homozygotes.

Submissions (2):

Illumina Laboratory Services, Illumina
Classification: Uncertain significance for Charcot-Marie-Tooth disease type 4C. Last evaluated: 2018-01-13. Review status: criteria provided, single submitter. Criteria: ICSL Variant Classification Criteria 13 December 2019. Collection method: clinical testing. Allele origin: germline.

Illumina Laboratory Services, Illumina
Classification: Likely benign for Susceptibility to mononeuropathy of the median nerve, mild. Last evaluated: 2018-01-13. Review status: criteria provided, single submitter. Criteria: ICSL Variant Classification Criteria 13 December 2019. Collection method: clinical testing. Allele origin: germline.
Comment: This variant was observed in the ICSL laboratory as part of a predisposition screen in an ostensibly healthy population. It had not been previously curated by ICSL or reported in the Human Gene Mutation Database (HGMD: prior to June 1st, 2018), and was therefore a candidate for classification through an automated scoring system. Utilizing variant allele frequency, disease prevalence and penetrance estimates, and inheritance mode, an automated score was calculated to assess if this variant is too frequent to cause the disease. Based on the score and internal cut-off values, a variant classified as likely benign is not then subjected to further curation. The score for this variant resulted in a classification of likely benign for this disease.